The following is an entry in ClinVar:

NM_014140.4(SMARCAL1):c.1096+4A>G

Gene: SMARCAL1 (SNF2 related chromatin remodeling annealing helicase 1; plus strand). Cytogenetic location: 2q35.
Variant type: single nucleotide variant.
Coding change: c.1096+4A>G on transcript NM_014140.4 (MANE Select); 4 bases into the intron after coding-DNA position 1096, A replaced by G.
Molecular consequence: intron variant.
Genome position (GRCh38, 1-based): chr2:216,420,536, A>G. VCF-style: chr2-216420536-A-G. GRCh37 (hg19) VCF-style: chr2-217285259-A-G.
Other names: c.1096+4A>G (NM_001127207.2).
Identifiers: ClinVar variation 4292462 (VCV004292462.1).

ClinVar aggregate classification (germline): Uncertain significance (1 of 4 stars; one submission).

Conditions:
Schimke immuno-osseous dysplasia (SIOD). Also called: Schimke Immunoosseous Dysplasia. Identifiers: Orphanet 1830, MedGen C0877024, MONDO:0009458, OMIM 242900.

Submission:

3billion
Classification: Uncertain significance for Schimke immuno-osseous dysplasia. Last evaluated: 2024-07-31. Review status: criteria provided, single submitter. Criteria: ACMG Guidelines, 2015. Collection method: clinical testing. Allele origin: germline. Affected: yes.
Comment: The variant is not observed in the gnomAD v4.0.0 dataset. Predicted Consequence/Location: Intron variant In silico tools predict the variant to alter splicing and produce an abnormal transcript [SpliceAI: 0.79 (>=0.2, moderate evidence for spliceogenicity)]. Therefore, this variant is classified as VUS according to the recommendation of ACMG/AMP guideline.